The following is an entry in ClinVar:

NM_152415.3(VPS37A):c.644C>G (p.Thr215Arg)

Gene: VPS37A (VPS37A subunit of ESCRT-I; plus strand). Cytogenetic location: 8p22.
Variant type: single nucleotide variant.
Coding change: c.644C>G on transcript NM_152415.3 (MANE Select); coding-DNA position 644, C replaced by G.
Protein change: p.Thr215Arg; replaces threonine 215 with arginine.
Molecular consequence: missense variant.
Genome position (GRCh38, 1-based): chr8:17,276,398, C>G. VCF-style: chr8-17276398-C-G. GRCh37 (hg19) VCF-style: chr8-17133907-C-G.
Other names: c.569C>G, p.Thr190Arg (NM_001145152.2); c.644C>G, p.Thr215Arg (NM_001363167.1, NM_001363173.2); c.374C>G, p.Thr125Arg (NM_001363168.1, NM_001363169.1, NM_001363170.1 and 2 more transcripts); short protein forms T215R, T190R, T125R.
Identifiers: ClinVar variation 2159244 (VCV002159244.4), dbSNP rs1027901098, ClinGen allele CA172950360.
Genomic context (GRCh38, chr8:17,276,398, plus strand): 5'-AATTGAGAGCAGTCAAAAATAATGGCTGAAATTTAATATCATTTAAAACTTTTCTTTAGA[C>G]AAGCCAAAATGGTTTTGGGTACAAGATGCCAGATGTCCCTGATGCATTTCCAGAACTCTC-3'
Protein context (NP_689628.2, residues 205-225): PIPTVDASIP[Thr215Arg]SQNGFGYKMP

ClinVar aggregate classification (germline): Uncertain significance (1 of 4 stars; one submission).

Conditions:
Hereditary spastic paraplegia 53. Also called: Spastic paraplegia 53, autosomal recessive. Identifiers: Orphanet 319199, MedGen C3539494, MONDO:0013962, OMIM 614898.

Allele frequency attached by ClinVar (database versions not stated): gnomAD exomes 0.00001.
gnomAD v4.1: 8 of 1,610,386 alleles (0.0005%); highest among the groups gnomAD compares: East Asian, 0.0089%; no homozygotes.

Submission:

Labcorp Genetics (formerly Invitae), Labcorp
Classification: Uncertain significance for Hereditary spastic paraplegia 53. Last evaluated: 2022-07-01. Review status: criteria provided, single submitter. Criteria: Invitae Variant Classification Sherloc (09022015). Collection method: clinical testing. Allele origin: germline.
Comment: This sequence change replaces threonine, which is neutral and polar, with arginine, which is basic and polar, at codon 215 of the VPS37A protein (p.Thr215Arg). This variant is present in population databases (no rsID available, gnomAD 0.01%). This variant has not been reported in the literature in individuals affected with VPS37A-related conditions. Algorithms developed to predict the effect of missense changes on protein structure and function (SIFT, PolyPhen-2, Align-GVGD) all suggest that this variant is likely to be tolerated. In summary, the available evidence is currently insufficient to determine the role of this variant in disease. Therefore, it has been classified as a Variant of Uncertain Significance.